The following is an entry in ClinVar:

NM_001278716.2(FBXL4):c.539C>T (p.Pro180Leu)

Gene: FBXL4 (F-box and leucine rich repeat protein 4; minus strand). Cytogenetic location: 6q16.2.
Variant type: single nucleotide variant.
Coding change: c.539C>T on transcript NM_001278716.2 (MANE Select); coding-DNA position 539, C replaced by T.
Protein change: p.Pro180Leu; replaces proline 180 with leucine.
Molecular consequence: missense variant.
Genome position (GRCh38, 1-based): chr6:98,917,693, G>A on the plus strand (C>T on the coding strand, the complement: FBXL4 is on the minus strand). VCF-style: chr6-98917693-G-A. GRCh37 (hg19) VCF-style: chr6-99365569-G-A.
Other names: c.539C>T, p.Pro180Leu (NM_012160.5); short protein forms P180L.
Identifiers: ClinVar variation 1032551 (VCV001032551.8), dbSNP rs1015958378, ClinGen allele CA143880735.

ClinVar aggregate classification (germline): Uncertain significance. Review status: criteria provided, multiple submitters, no conflicts (2 of 4 stars). 2 submissions from 2 submitters: Uncertain significance (2). Last evaluated 2021-06-08.

Conditions:
Mitochondrial DNA depletion syndrome 13. Also called: Mitochondrial DNA depletion syndrome 13 (encephalomyopathic type); FBXL4-Related Encephalomyopathic Mitochondrial DNA Depletion Syndrome. Identifiers: Orphanet 369897, MedGen C3809592, MONDO:0014198, OMIM 615471.

Allele frequency attached by ClinVar (database versions not stated): gnomAD exomes below 0.00001; gnomAD 0.00001; TOPMed 0.00001.
gnomAD v4.1: 3 of 1,608,170 alleles (0.00019%); highest among the groups gnomAD compares: African/African-American, 0.0027%; no homozygotes.

Submissions (2):

Labcorp Genetics (formerly Invitae), Labcorp
Classification: Uncertain significance. Last evaluated: 2021-06-08. Review status: criteria provided, single submitter. Criteria: Invitae Variant Classification Sherloc (09022015). Collection method: clinical testing. Allele origin: germline.
Comment: In summary, the available evidence is currently insufficient to determine the role of this variant in disease. Therefore, it has been classified as a Variant of Uncertain Significance. Advanced modeling of protein sequence and biophysical properties (such as structural, functional, and spatial information, amino acid conservation, physicochemical variation, residue mobility, and thermodynamic stability) performed at Invitae indicates that this missense variant is expected to disrupt FBXL4 protein function. This sequence change replaces proline with leucine at codon 180 of the FBXL4 protein (p.Pro180Leu). The proline residue is highly conserved and there is a moderate physicochemical difference between proline and leucine. This variant is not present in population databases (ExAC no frequency). This variant has not been reported in the literature in individuals with FBXL4-related conditions. ClinVar contains an entry for this variant (Variation ID: 1032551).

Baylor Genetics
Classification: Uncertain significance for Mitochondrial DNA depletion syndrome 13. Last evaluated: 2018-12-06. Review status: criteria provided, single submitter. Criteria: ACMG Guidelines, 2015. Collection method: clinical testing. Allele origin: paternal. Affected: yes.
Comment: This variant was determined to be of uncertain significance according to ACMG Guidelines, 2015 [PMID:25741868].